The following is an entry in ClinVar:

ClinVar aggregate classification (germline): Likely benign (1 of 4 stars; one submission).

Conditions:
Dyskeratosis congenita. Identifiers: Orphanet 1775, MedGen C0265965, MONDO:0015780.

Allele frequency attached by ClinVar (database versions not stated): TOPMed 0.00074; 1000 Genomes Project 0.00220; 1000 Genomes Project 30x 0.00297; gnomAD exomes 0.00769.
gnomAD v4.1: 131 of 150,836 alleles (0.087%); highest among the groups gnomAD compares: South Asian, 0.79%; no homozygotes.

Submission:

Illumina Laboratory Services, Illumina
Classification: Likely benign for Dyskeratosis congenita. Last evaluated: 2018-01-13. Review status: criteria provided, single submitter. Criteria: ICSL Variant Classification Criteria 13 December 2019. Collection method: clinical testing. Allele origin: germline.
Comment: This variant was observed in the ICSL laboratory as part of a predisposition screen in an ostensibly healthy population. It had not been previously curated by ICSL or reported in the Human Gene Mutation Database (HGMD: prior to June 1st, 2018), and was therefore a candidate for classification through an automated scoring system. Utilizing variant allele frequency, disease prevalence and penetrance estimates, and inheritance mode, an automated score was calculated to assess if this variant is too frequent to cause the disease. Based on the score and internal cut-off values, a variant classified as likely benign is not then subjected to further curation. The score for this variant resulted in a classification of likely benign for this disease.

NM_025099.6(CTC1):c.*1105G>A

Gene: CTC1 (CST telomere replication complex component 1; minus strand). Cytogenetic location: 17p13.1.
Variant type: single nucleotide variant.
Coding change: c.*1105G>A on transcript NM_025099.6 (MANE Select); 1105 bases downstream of the stop codon, G replaced by A.
Molecular consequence: 3 prime UTR variant. On other transcripts: non-coding transcript variant (1).
Genome position (GRCh38, 1-based): chr17:8,227,075, C>T on the plus strand (G>A on the coding strand, the complement: CTC1 is on the minus strand). VCF-style: chr17-8227075-C-T. GRCh37 (hg19) VCF-style: chr17-8130393-C-T.
Identifiers: ClinVar variation 326045 (VCV000326045.5), dbSNP rs141632364, ClinGen allele CA10647173.
Genomic context (GRCh38, chr17:8,227,075, plus strand): 5'-CGACCTTGGCGTTATTAGCACCACGCTCTAACCAACTGAGCTAACCGGCCACTAACTTTC[C>T]GGGTCTACTTCAAATCTTAATATAGGGTATTGCTACCATAAAAGCAGCATAAATCCCAAC-3'